The following is an entry in ClinVar:

NM_033453.4(ITPA):c.508G>A (p.Ala170Thr)

Gene: ITPA (inosine triphosphatase; plus strand). Cytogenetic location: 20p13.
Variant type: single nucleotide variant.
Coding change: c.508G>A on transcript NM_033453.4 (MANE Select); coding-DNA position 508, G replaced by A.
Protein change: p.Ala170Thr; replaces alanine 170 with threonine.
Molecular consequence: missense variant. On other transcripts: synonymous variant (4), non-coding transcript variant (2), intron variant (1).
Genome position (GRCh38, 1-based): chr20:3,223,385, G>A. VCF-style: chr20-3223385-G-A. GRCh37 (hg19) VCF-style: chr20-3204031-G-A.
Other names: c.385G>A, p.Ala129Thr (NM_001267623.2); c.171G>A, p.Arg57= (NM_001324236.2, NM_001324237.2, NM_001324238.2 and 1 more transcripts); c.457G>A, p.Ala153Thr (NM_181493.4); c.412-3298G>A (NM_001324240.2); c.508G>A (NM_033453.2); short protein forms A170T, A129T, A153T.
Identifiers: ClinVar variation 573969 (VCV000573969.9), dbSNP rs199706843, ClinGen allele CA9741353.

ClinVar aggregate classification (germline): Uncertain significance. Review status: criteria provided, multiple submitters, no conflicts (2 of 4 stars). 2 submissions from 2 submitters: Uncertain significance (2). Last evaluated 2024-06-30.

Conditions:
Inosine triphosphatase deficiency. Also called: INOSINE TRIPHOSPHATE PYROPHOSPHOHYDROLASE DEFICIENCY. Identifiers: MedGen C0342800, MONDO:0013461, OMIM 613850.
Inborn genetic diseases. Identifiers: MedGen C0950123, MeSH D030342.

Allele frequency attached by ClinVar (database versions not stated): gnomAD 0.00004 and 0.00007; TOPMed 0.00004; gnomAD exomes 0.00007 and 0.00009; ExAC 0.00009; 1000 Genomes Project 30x 0.00031; 1000 Genomes Project 0.00040.
gnomAD v4.1: 145 of 1,613,850 alleles (0.009%); highest among the groups gnomAD compares: East Asian, 0.32%; no homozygotes.

Submissions (2):

Ambry Genetics
Classification: Uncertain significance for Inborn genetic diseases. Last evaluated: 2024-06-30. Review status: criteria provided, single submitter. Criteria: Ambry Variant Classification Scheme 2023. Collection method: clinical testing. Allele origin: germline.

Labcorp Genetics (formerly Invitae), Labcorp
Classification: Uncertain significance for Inosine triphosphatase deficiency. Last evaluated: 2022-03-03. Review status: criteria provided, single submitter. Criteria: Invitae Variant Classification Sherloc (09022015). Collection method: clinical testing. Allele origin: germline.
Comment: This sequence change replaces alanine, which is neutral and non-polar, with threonine, which is neutral and polar, at codon 170 of the ITPA protein (p.Ala170Thr). This variant is present in population databases (rs199706843, gnomAD 0.1%). This variant has not been reported in the literature in individuals affected with ITPA-related conditions. ClinVar contains an entry for this variant (Variation ID: 573969). Algorithms developed to predict the effect of missense changes on protein structure and function (SIFT, PolyPhen-2, Align-GVGD) all suggest that this variant is likely to be tolerated. In summary, the available evidence is currently insufficient to determine the role of this variant in disease. Therefore, it has been classified as a Variant of Uncertain Significance.